The following is an entry in ClinVar:

ClinVar aggregate classification (germline): Uncertain significance (1 of 4 stars; one submission).

Conditions:
Inborn genetic diseases. Identifiers: MedGen C0950123, MeSH D030342.

Submission:

Ambry Genetics
Classification: Uncertain significance for Inborn genetic diseases. Last evaluated: 2026-05-30. Review status: criteria provided, single submitter. Criteria: Ambry Variant Classification Scheme 2023. Collection method: clinical testing. Allele origin: germline.
Comment: The p.I452V variant (also known as c.1354A>G), located in coding exon 12 of the KDM1A gene, results from an A to G substitution at nucleotide position 1354. The isoleucine at codon 452 is replaced by valine, an amino acid with highly similar properties. This amino acid position is conserved. In addition, the in silico prediction for this alteration is inconclusive. Based on the available evidence, the clinical significance of this variant remains unclear.

NM_001009999.3(KDM1A):c.1354A>G (p.Ile452Val)

Gene: KDM1A (lysine demethylase 1A; plus strand). Cytogenetic location: 1p36.12.
Variant type: single nucleotide variant.
Coding change: c.1354A>G on transcript NM_001009999.3 (MANE Select); coding-DNA position 1354, A replaced by G.
Protein change: p.Ile452Val; replaces isoleucine 452 with valine.
Molecular consequence: missense variant.
Genome position (GRCh38, 1-based): chr1:23,069,092, A>G. VCF-style: chr1-23069092-A-G. GRCh37 (hg19) VCF-style: chr1-23395585-A-G.
Other names: c.1282A>G, p.Ile428Val (NM_001363654.2, NM_001410763.1, NM_015013.4); c.1342A>G, p.Ile448Val (NM_001410762.1); short protein forms I428V, I448V, I452V.
Identifiers: ClinVar variation 4858751 (VCV004858751.1).